The following is an entry in ClinVar:

ClinVar aggregate classification (germline): Conflicting classifications of pathogenicity. Review status: criteria provided, conflicting classifications (1 of 4 stars). 2 submissions from 2 submitters: Uncertain significance (1); Benign (1). Last evaluated 2026-05-23.

Conditions:
Cardiovascular phenotype. Identifiers: MedGen CN230736.
Familial hypobetalipoproteinemia 1. Also called: Hypobetalipoproteinemia, normotriglyceridemic; Acanthocytosis with hypobetalipoproteinemia; APOB-Related Familial Hypobetalipoproteinemia. Identifiers: MedGen C4551990, MONDO:0014252, OMIM 615558.
Hypercholesterolemia, autosomal dominant, type B (FHCL2). Also called: Familial hypercholesterolemia 2; Familial Hypercholesterolemia Type B; APOLIPOPROTEIN B-100, FAMILIAL DEFECTIVE; APOLIPOPROTEIN B-100, FAMILIAL LIGAND-DEFECTIVE; APOB-Related Familial Hypercholesterolemia, Autosomal Dominant; HYPERCHOLESTEROLEMIA, FAMILIAL, DUE TO LIGAND-DEFECTIVE APOLIPOPROTEIN B. Identifiers: MedGen C1704417, MONDO:0007751, OMIM 144010.

Allele frequency attached by ClinVar (database versions not stated): TOPMed 0.00001; 1000 Genomes Project 0.00020; gnomAD 0.00001; 1000 Genomes Project 30x 0.00016.
gnomAD v4.1: 59 of 1,613,924 alleles (0.0037%); highest among the groups gnomAD compares: Admixed American, 0.013%; no homozygotes.

Submissions (2):

Ambry Genetics
Classification: Uncertain significance for Cardiovascular phenotype. Last evaluated: 2026-05-23. Review status: criteria provided, single submitter. Criteria: Ambry Variant Classification Scheme 2023. Collection method: clinical testing. Allele origin: germline.
Comment: The p.G3996D variant (also known as c.11987G>A), located in coding exon 28 of the APOB gene, results from a G to A substitution at nucleotide position 11987. The glycine at codon 3996 is replaced by aspartic acid, an amino acid with similar properties. This amino acid position is conserved. In addition, this alteration is predicted to be tolerated by in silico analysis. Based on the available evidence, the clinical significance of this variant remains unclear.

Labcorp Genetics (formerly Invitae), Labcorp
Classification: Benign for Familial hypobetalipoproteinemia 1; Hypercholesterolemia, autosomal dominant, type B. Last evaluated: 2023-09-29. Review status: criteria provided, single submitter. Criteria: Invitae Variant Classification Sherloc (09022015). Collection method: clinical testing. Allele origin: germline.

NM_000384.3(APOB):c.11987G>A (p.Gly3996Asp)

Gene: APOB (apolipoprotein B; minus strand). Cytogenetic location: 2p24.1.
Variant type: single nucleotide variant.
Coding change: c.11987G>A on transcript NM_000384.3 (MANE Select); coding-DNA position 11987, G replaced by A.
Protein change: p.Gly3996Asp; replaces glycine 3996 with aspartic acid.
Molecular consequence: missense variant.
Genome position (GRCh38, 1-based): chr2:21,004,369, C>T on the plus strand (G>A on the coding strand, the complement: APOB is on the minus strand). VCF-style: chr2-21004369-C-T. GRCh37 (hg19) VCF-style: chr2-21227241-C-T.
Other names: short protein forms G3996D.
Identifiers: ClinVar variation 2923317 (VCV002923317.5), dbSNP rs188592517, ClinGen allele CA048442.